The following is an entry in ClinVar:

ClinVar aggregate classification (germline): Uncertain significance. Review status: criteria provided, multiple submitters, no conflicts (2 of 4 stars). 2 submissions from 2 submitters: Uncertain significance (2). Last evaluated 2025-12-11.

Conditions:
Catecholaminergic polymorphic ventricular tachycardia 1. Also called: VENTRICULAR TACHYCARDIA, STRESS-INDUCED POLYMORPHIC 1; VENTRICULAR TACHYCARDIA, CATECHOLAMINERGIC POLYMORPHIC, 1, WITH OR WITHOUT ATRIAL DYSFUNCTION AND/OR DILATED CARDIOMYOPATHY; RYR2-Related Catecholaminergic Polymorphic Ventricular Tachycardia. Identifiers: Orphanet 3286, MedGen C1631597, MONDO:0011484, OMIM 604772.
Cardiomyopathy (CMYO). Also called: Cardiomyopathies. Identifiers: Orphanet 167848, MedGen C0878544, MONDO:0004994, HP:0001638. Inheritance: Various modes of inheritance.

gnomAD v4.1: 6 of 1,511,618 alleles (0.0004%); highest among the groups gnomAD compares: South Asian, 0.0023%; no homozygotes.

Submissions (2):

Color Diagnostics, LLC DBA Color Health
Classification: Uncertain significance for Cardiomyopathy. Last evaluated: 2025-12-11. Review status: criteria provided, single submitter. Criteria: ACMG Guidelines, 2015. Collection method: clinical testing. Allele origin: germline.
Comment: This variant causes a C to T nucleotide substitution at the +5 position of intron 42 of the RYR2 gene. To our knowledge, functional studies have not been reported for this variant. This variant has not been reported in individuals affected with RYR2-related disorders in the literature. This variant has been identified in 6/1511618 chromosomes in the general population by the Genome Aggregation Database (gnomAD). The available evidence is insufficient to determine the role of this variant in disease conclusively. Therefore, this variant is classified as a Variant of Uncertain Significance.

Labcorp Genetics (formerly Invitae), Labcorp
Classification: Uncertain significance for Catecholaminergic polymorphic ventricular tachycardia 1. Last evaluated: 2024-10-23. Review status: criteria provided, single submitter. Criteria: Invitae Variant Classification Sherloc (09022015). Collection method: clinical testing. Allele origin: germline.
Comment: This sequence change falls in intron 42 of the RYR2 gene. It does not directly change the encoded amino acid sequence of the RYR2 protein. It affects a nucleotide within the consensus splice site. This variant is present in population databases (no rsID available, gnomAD 0.003%). This variant has not been reported in the literature in individuals affected with RYR2-related conditions. Variants that disrupt the consensus splice site are a relatively common cause of aberrant splicing (PMID: 17576681, 9536098). Algorithms developed to predict the effect of sequence changes on RNA splicing suggest that this variant is not likely to affect RNA splicing. In summary, the available evidence is currently insufficient to determine the role of this variant in disease. Therefore, it has been classified as a Variant of Uncertain Significance.

Literature cited by the submitters: PubMed 17576681 (cited by Labcorp Genetics (formerly Invitae), Labcorp); PubMed 9536098 (cited by Labcorp Genetics (formerly Invitae), Labcorp).

NM_001035.3(RYR2):c.6555+5C>T

Gene: RYR2 (ryanodine receptor 2; plus strand). Cytogenetic location: 1q43.
Variant type: single nucleotide variant.
Coding change: c.6555+5C>T on transcript NM_001035.3 (MANE Select); 5 bases into the intron after coding-DNA position 6555, C replaced by T.
Molecular consequence: intron variant.
Genome position (GRCh38, 1-based): chr1:237,631,546, C>T. VCF-style: chr1-237631546-C-T. GRCh37 (hg19) VCF-style: chr1-237794846-C-T.
Identifiers: ClinVar variation 3707383 (VCV003707383.3).